The following is an entry in ClinVar:

ClinVar aggregate classification (germline): Uncertain significance (1 of 4 stars; one submission).

gnomAD v4.1: 1 of 1,613,984 alleles (0.000062%); highest among the groups gnomAD compares: Non-Finnish European, 0.000085%; no homozygotes.

Submission:

Labcorp Genetics (formerly Invitae), Labcorp
Classification: Uncertain significance. Last evaluated: 2024-11-05. Review status: criteria provided, single submitter. Criteria: Invitae Variant Classification Sherloc (09022015). Collection method: clinical testing. Allele origin: germline.
Comment: This sequence change replaces lysine, which is basic and polar, with asparagine, which is neutral and polar, at codon 234 of the HOMER2 protein (p.Lys234Asn). This variant is not present in population databases (gnomAD no frequency). This variant has not been reported in the literature in individuals affected with HOMER2-related conditions. An algorithm developed to predict the effect of missense changes on protein structure and function (PolyPhen-2) suggests that this variant is likely to be tolerated. In summary, the available evidence is currently insufficient to determine the role of this variant in disease. Therefore, it has been classified as a Variant of Uncertain Significance.

NM_004839.4(HOMER2):c.702G>T (p.Lys234Asn)

Gene: HOMER2 (homer scaffold protein 2; minus strand). Cytogenetic location: 15q25.2.
Variant type: single nucleotide variant.
Coding change: c.702G>T on transcript NM_004839.4 (MANE Select); coding-DNA position 702, G replaced by T.
Protein change: p.Lys234Asn; replaces lysine 234 with asparagine.
Molecular consequence: missense variant.
Genome position (GRCh38, 1-based): chr15:82,852,202, C>A on the plus strand (G>T on the coding strand, the complement: HOMER2 is on the minus strand). VCF-style: chr15-82852202-C-A. GRCh37 (hg19) VCF-style: chr15-83520954-C-A.
Other names: c.735G>T, p.Lys245Asn (NM_199330.3); short protein forms K234N, K245N.
Identifiers: ClinVar variation 3675601 (VCV003675601.2).